The following is an entry in ClinVar:

NM_005334.3(HCFC1):c.3903C>T (p.Thr1301=)

Gene: HCFC1 (host cell factor C1; minus strand). Cytogenetic location: Xq28.
Variant type: single nucleotide variant.
Coding change: c.3903C>T on transcript NM_005334.3 (MANE Select); coding-DNA position 3903, C replaced by T.
Protein change: p.Thr1301=; no amino-acid change (threonine 1301 retained).
Molecular consequence: synonymous variant.
Genome position (GRCh38, 1-based): chrX:153,954,496, G>A on the plus strand (C>T on the coding strand, the complement: HCFC1 is on the minus strand). VCF-style: chrX-153954496-G-A. GRCh37 (hg19) VCF-style: chrX-153219947-G-A.
Identifiers: ClinVar variation 387453 (VCV000387453.39), dbSNP rs375212345, ClinGen allele CA10557116.
Genomic context (GRCh38, chrX:153,954,496, plus strand): 5'-TGGCGGGTTGGAGCACACCCTCTGGGCGCTGCCTGCATTCGAGGTAGTGGCGGTGTTGGT[G>A]GTGCCTGTCTCGTGGGTCTCACATGGTGGGTTGGAGCAGACTTGGGTCACGGTGGCCGAG-3'
Protein context (NP_005325.2, residues 1291-1311): NPPCETHETG[Thr1301=]TNTATTSNAG

ClinVar aggregate classification (germline): Likely benign. Review status: criteria provided, multiple submitters, no conflicts (2 of 4 stars). 6 submissions from 6 submitters: Likely benign (6). Last evaluated 2026-04-28.

Conditions:
Methylmalonic acidemia with homocystinuria, type cblX (MAHCX). Also called: INTELLECTUAL DEVELOPMENTAL DISORDER, X-LINKED 3. Identifiers: Orphanet 369962, MedGen C0796208, MONDO:0010657, OMIM 309541.

Allele frequency attached by ClinVar (database versions not stated): gnomAD 0.00028 and 0.00037; gnomAD exomes 0.00028 and 0.00033; ESP Exome Variant Server 0.00029; ExAC 0.00032; TOPMed 0.00038.
gnomAD v4.1: 355 of 1,210,474 alleles (0.029%); highest among the groups gnomAD compares: Middle Eastern, 0.23%; 1 homozygote.

Submissions (6):

Women's Health and Genetics/Laboratory Corporation of America, LabCorp
Classification: Likely benign. Last evaluated: 2026-04-28. Review status: criteria provided, single submitter. Criteria: LabCorp Variant Classification Summary - May 2015. Collection method: clinical testing. Allele origin: germline.

Labcorp Genetics (formerly Invitae), Labcorp
Classification: Likely benign for Methylmalonic acidemia with homocystinuria, type cblX. Last evaluated: 2026-01-28. Review status: criteria provided, single submitter. Criteria: Invitae Variant Classification Sherloc (09022015). Collection method: clinical testing. Allele origin: germline.

Blueprint Genetics
Classification: Likely benign. Last evaluated: 2024-09-10. Review status: criteria provided, single submitter. Criteria: ACMG Guidelines, 2015. Collection method: clinical testing. Allele origin: germline.

CeGaT Center for Human Genetics Tuebingen
Classification: Likely benign. Last evaluated: 2023-11-01. Review status: criteria provided, single submitter. Criteria: CeGaT Center For Human Genetics Tuebingen Variant Classification Criteria Version 2. Collection method: clinical testing. Allele origin: germline. Affected: yes. Observed: 3 variant alleles.
Comment: HCFC1: BP4, BP7, BS2

Genetic Services Laboratory, University of Chicago
Classification: Likely benign. Last evaluated: 2016-09-07. Review status: criteria provided, single submitter. Criteria: ACMG Guidelines, 2015. Collection method: clinical testing. Allele origin: germline. Affected: no.

GeneDx
Classification: Likely benign. Last evaluated: 2016-07-05. Review status: criteria provided, single submitter. Criteria: GeneDx Variant Classification (06012015). Collection method: clinical testing. Allele origin: germline. Affected: yes.
Comment: This variant is considered likely benign or benign based on one or more of the following criteria: it is a conservative change, it occurs at a poorly conserved position in the protein, it is predicted to be benign by multiple in silico algorithms, and/or has population frequency not consistent with disease.